The following is an entry in ClinVar:

NM_017514.5(PLXNA3):c.3220G>A (p.Asp1074Asn)

Gene: PLXNA3 (plexin A3; plus strand). Cytogenetic location: Xq28.
Variant type: single nucleotide variant.
Coding change: c.3220G>A on transcript NM_017514.5 (MANE Select); coding-DNA position 3220, G replaced by A.
Protein change: p.Asp1074Asn; replaces aspartic acid 1074 with asparagine.
Molecular consequence: missense variant.
Genome position (GRCh38, 1-based): chrX:154,467,250, G>A. VCF-style: chrX-154467250-G-A. GRCh37 (hg19) VCF-style: chrX-153695593-G-A.
Other names: short protein forms D1074N.
Identifiers: ClinVar variation 4988368 (VCV004988368.1).

ClinVar aggregate classification (germline): Uncertain significance (1 of 4 stars; one submission).

Conditions:
PLXNA3-related disorder. Also called: PLXNA3-related condition.

gnomAD v4.1: 1 of 1,208,772 alleles (0.000083%); highest among the groups gnomAD compares: African/African-American, 0.0017%; no homozygotes.

Submission:

PreventionGenetics, part of Exact Sciences
Classification: Uncertain significance for PLXNA3-related condition. Last evaluated: 2026-07-28. Review status: criteria provided, single submitter. Criteria: ACMG Guidelines, 2015. Collection method: clinical testing. Allele origin: germline.
Comment: The PLXNA3 c.3220G>A variant is predicted to result in the amino acid substitution p.Asp1074Asn. To our knowledge, this variant has not been reported in the literature or in a large population database (gnomAD), indicating this variant is rare. At this time, the clinical significance of this variant is uncertain due to the absence of conclusive functional and genetic evidence.